The following is an entry in ClinVar:

NM_004369.4(COL6A3):c.5819C>T (p.Ser1940Phe)

Gene: COL6A3 (collagen type VI alpha 3 chain; minus strand). Cytogenetic location: 2q37.3.
Variant type: single nucleotide variant.
Coding change: c.5819C>T on transcript NM_004369.4 (MANE Select); coding-DNA position 5819, C replaced by T.
Protein change: p.Ser1940Phe; replaces serine 1940 with phenylalanine.
Molecular consequence: missense variant.
Genome position (GRCh38, 1-based): chr2:237,365,717, G>A on the plus strand (C>T on the coding strand, the complement: COL6A3 is on the minus strand). VCF-style: chr2-237365717-G-A. GRCh37 (hg19) VCF-style: chr2-238274360-G-A.
Other names: c.3998C>T, p.Ser1333Phe (NM_057166.5); c.5201C>T, p.Ser1734Phe (NM_057167.4); short protein forms S1333F, S1734F, S1940F.
Identifiers: ClinVar variation 4739841 (VCV004739841.1).

ClinVar aggregate classification (germline): Uncertain significance (1 of 4 stars; one submission).

Conditions:
Bethlem myopathy 1A. Also called: MYOPATHY, BENIGN CONGENITAL, WITH CONTRACTURES; Bethlem myopathy 1; Bethlem Muscular Dystrophy. Identifiers: Orphanet 610, MedGen CN029274, MONDO:0024530, OMIM 158810.

Submission:

Labcorp Genetics (formerly Invitae), Labcorp
Classification: Uncertain significance for Bethlem myopathy 1A. Last evaluated: 2025-12-20. Review status: criteria provided, single submitter. Criteria: Invitae Variant Classification Sherloc (09022015). Collection method: clinical testing. Allele origin: germline.
Comment: This sequence change replaces serine, which is neutral and polar, with phenylalanine, which is neutral and non-polar, at codon 1940 of the COL6A3 protein (p.Ser1940Phe). This variant is not present in population databases (gnomAD no frequency). This variant has not been reported in the literature in individuals affected with COL6A3-related conditions. Invitae Evidence Modeling of protein sequence and biophysical properties (such as structural, functional, and spatial information, amino acid conservation, physicochemical variation, residue mobility, and thermodynamic stability) indicates that this missense variant is not expected to disrupt COL6A3 protein function with a negative predictive value of 80%. In summary, the available evidence is currently insufficient to determine the role of this variant in disease. Therefore, it has been classified as a Variant of Uncertain Significance.